The following is an entry in ClinVar:

ClinVar aggregate classification (germline): Uncertain significance (1 of 4 stars; one submission).

Submission:

GeneDx
Classification: Uncertain significance. Last evaluated: 2024-04-15. Review status: criteria provided, single submitter. Criteria: GeneDx Variant Classification Process June 2021. Collection method: clinical testing. Allele origin: germline. Affected: yes.
Comment: Not observed at significant frequency in large population cohorts (gnomAD); In silico analysis supports that this missense variant has a deleterious effect on protein structure/function; Has not been previously published as pathogenic or benign to our knowledge

NM_005647.4(TBL1X):c.1477G>C (p.Glu493Gln)

Gene: TBL1X (transducin beta like 1 X-linked; plus strand). Cytogenetic location: Xp22.2.
Variant type: single nucleotide variant.
Coding change: c.1477G>C on transcript NM_005647.4 (MANE Select); coding-DNA position 1477, G replaced by C.
Protein change: p.Glu493Gln; replaces glutamic acid 493 with glutamine.
Molecular consequence: missense variant.
Genome position (GRCh38, 1-based): chrX:9,711,648, G>C. VCF-style: chrX-9711648-G-C. GRCh37 (hg19) VCF-style: chrX-9679688-G-C.
Other names: c.1477G>C, p.Glu493Gln (NM_001139466.1); c.1324G>C, p.Glu442Gln (NM_001139467.1, NM_001139468.1); short protein forms E442Q, E493Q.
Identifiers: ClinVar variation 3372391 (VCV003372391.1).